The following is an entry in ClinVar:

ClinVar aggregate classification (germline): Likely benign (1 of 4 stars; one submission).

Conditions:
PKD1-related disorder. Also called: PKD1-related condition.

gnomAD v4.1: 11 of 1,607,456 alleles (0.00068%); highest among the groups gnomAD compares: Admixed American, 0.0083%; no homozygotes.

Submission:

PreventionGenetics, part of Exact Sciences
Classification: Likely benign for PKD1-related condition. Last evaluated: 2026-08-23. Review status: criteria provided, single submitter. Criteria: ACMG Guidelines, 2015. Collection method: clinical testing. Allele origin: germline.
Comment: This variant is classified as likely benign based on ACMG/AMP sequence variant interpretation guidelines (Richards et al. 2015 PMID: 25741868, with internal and published modifications).

NM_001009944.3(PKD1):c.5712G>A (p.Leu1904=)

Gene: PKD1 (polycystin 1, transient receptor potential channel interacting; minus strand). Cytogenetic location: 16p13.3.
Variant type: single nucleotide variant.
Coding change: c.5712G>A on transcript NM_001009944.3 (MANE Select); coding-DNA position 5712, G replaced by A.
Protein change: p.Leu1904=; no amino-acid change (leucine 1904 retained).
Molecular consequence: synonymous variant.
Genome position (GRCh38, 1-based): chr16:2,109,455, C>T on the plus strand (G>A on the coding strand, the complement: PKD1 is on the minus strand). VCF-style: chr16-2109455-C-T. GRCh37 (hg19) VCF-style: chr16-2159456-C-T.
Other names: c.5712G>A, p.Leu1904= (NM_000296.4).
Identifiers: ClinVar variation 4988670 (VCV004988670.1).